The following is an entry in ClinVar:

NM_025114.4(CEP290):c.7109del (p.Gly2370fs)

Gene: CEP290 (centrosomal protein 290; minus strand). Cytogenetic location: 12q21.32.
Variant type: Deletion.
Coding change: c.7109del on transcript NM_025114.4 (MANE Select); coding-DNA position 7109, one base deleted (G; older notation c.7109delG).
Protein change: p.Gly2370fs; shifts the reading frame from glycine 2370.
Molecular consequence: frameshift variant.
Genome position (GRCh38, 1-based): chr12:88,053,672, C deleted on the plus strand (G on the coding strand, the reverse complement: CEP290 is on the minus strand); the first of 2 consecutive C bases (chr12:88,053,672-88,053,673); deleting either gives the same sequence. VCF-style (leftmost placement, unchanged base first): chr12-88053671-TC-T. GRCh37 (hg19) VCF-style: chr12-88447448-TC-T.
Other names: short protein forms G2370fs.
Identifiers: ClinVar variation 4886484 (VCV004886484.2).

ClinVar aggregate classification (germline): Likely pathogenic (1 of 4 stars; one submission).

Submission:

Dasa
Classification: Likely pathogenic. Last evaluated: 2025-02-26. Review status: criteria provided, single submitter. Criteria: DASA Assertion Criteria. Collection method: clinical testing. Allele origin: germline.
Comment: NM_025114.4(CEP290):c.7109del (p.Gly2370Glufs*12) is a frameshift variant in CEP290 predicted to alter the reading frame and introduce a premature termination codon and is predicted to result in an absent or altered protein product. Loss of function is an established disease mechanism for CEP290-associated disorders. Also, this variant is absent from population databases. Based on the currently available evidence, this variant is classified as likely pathogenic.